The following is an entry in ClinVar:

ClinVar aggregate classification (germline): Likely benign. Review status: criteria provided, multiple submitters, no conflicts (2 of 4 stars). 5 submissions from 5 submitters: Likely benign (5). Last evaluated 2026-01-05.

Conditions:
Charcot-Marie-Tooth disease axonal type 2O. Also called: Charcot-Marie-Tooth Neuropathy Type 2O; CHARCOT-MARIE-TOOTH NEUROPATHY, AXONAL, TYPE 2O; CHARCOT-MARIE-TOOTH DISEASE, AXONAL, AUTOSOMAL DOMINANT, TYPE 2O; Charcot-Marie-Tooth disease, axonal, type 20. Identifiers: Orphanet 284232, MedGen C3280220, MONDO:0013644, OMIM 614228.
Charcot-Marie-Tooth disease. Also called: Charcot-Marie-Tooth Neuropathy; Charcot-Marie-Tooth Hereditary Neuropathy. Identifiers: Orphanet 166, MedGen C0007959, MONDO:0015626.

Allele frequency attached by ClinVar (database versions not stated): ExAC 0.00025; TOPMed 0.00025; gnomAD 0.00027; gnomAD exomes 0.00027 and 0.00062; ESP Exome Variant Server 0.00038.
gnomAD v4.1: 942 of 1,612,556 alleles (0.058%); highest among the groups gnomAD compares: Non-Finnish European, 0.075%; no homozygotes.

Submissions (5):

Labcorp Genetics (formerly Invitae), Labcorp
Classification: Likely benign for Charcot-Marie-Tooth disease axonal type 2O. Last evaluated: 2026-01-05. Review status: criteria provided, single submitter. Criteria: Invitae Variant Classification Sherloc (09022015). Collection method: clinical testing. Allele origin: germline.

Blueprint Genetics
Classification: Likely benign. Last evaluated: 2024-10-21. Review status: criteria provided, single submitter. Criteria: ACMG Guidelines, 2015. Collection method: clinical testing. Allele origin: germline.

ARUP Laboratories, Molecular Genetics and Genomics, ARUP Laboratories
Classification: Likely benign. Last evaluated: 2023-10-19. Review status: criteria provided, single submitter. Criteria: ARUP Molecular Germline Variant Investigation Process 2024. Collection method: clinical testing. Allele origin: germline.

GeneDx
Classification: Likely benign. Last evaluated: 2017-04-10. Review status: criteria provided, single submitter. Criteria: GeneDx Variant Classification (06012015). Collection method: clinical testing. Allele origin: germline. Affected: yes.
Comment: This variant is considered likely benign or benign based on one or more of the following criteria: it is a conservative change, it occurs at a poorly conserved position in the protein, it is predicted to be benign by multiple in silico algorithms, and/or has population frequency not consistent with disease.

Molecular Genetics Laboratory, London Health Sciences Centre
Classification: Likely benign for Charcot-Marie-Tooth disease. Review status: criteria provided, single submitter. Criteria: ACMG Guidelines, 2015. Collection method: clinical testing. Allele origin: germline. Affected: yes.

NM_001376.5(DYNC1H1):c.12513+17C>T

Gene: DYNC1H1 (dynein cytoplasmic 1 heavy chain 1; plus strand). Cytogenetic location: 14q32.31.
Variant type: single nucleotide variant.
Coding change: c.12513+17C>T on transcript NM_001376.5 (MANE Select); 17 bases into the intron after coding-DNA position 12513, C replaced by T.
Molecular consequence: intron variant.
Genome position (GRCh38, 1-based): chr14:102,042,765, C>T. VCF-style: chr14-102042765-C-T. GRCh37 (hg19) VCF-style: chr14-102509102-C-T.
Identifiers: ClinVar variation 386750 (VCV000386750.56), dbSNP rs368189529, ClinGen allele CA7353943.
Genomic context (GRCh38, chr14:102,042,765, plus strand): 5'-TGCTGAGGACGTTCAGCAGCATTCCCGTCTCACGGATATGCAAGGTAAGTACCTTGTCCT[C>T]CTGGTATGCTTTCCCCATAGAAGCTAAAGCCCAGTCCCATCACCAAATGCAGAAGTGGGT-3'